The following is an entry in ClinVar:

ClinVar aggregate classification (germline): Uncertain significance (1 of 4 stars; one submission).

gnomAD v4.1: 11 of 1,613,764 alleles (0.00068%); highest among the groups gnomAD compares: Non-Finnish European, 0.00085%; no homozygotes.

Submission:

Labcorp Genetics (formerly Invitae), Labcorp
Classification: Uncertain significance. Last evaluated: 2024-07-19. Review status: criteria provided, single submitter. Criteria: Invitae Variant Classification Sherloc (09022015). Collection method: clinical testing. Allele origin: germline.
Comment: This sequence change replaces proline, which is neutral and non-polar, with alanine, which is neutral and non-polar, at codon 1486 of the PHIP protein (p.Pro1486Ala). This variant is present in population databases (no rsID available, gnomAD 0.0009%). This variant has not been reported in the literature in individuals affected with PHIP-related conditions. An algorithm developed to predict the effect of missense changes on protein structure and function outputs the following: PolyPhen-2: "Not Available". The alanine amino acid residue is found in multiple mammalian species, which suggests that this missense change does not adversely affect protein function. In summary, the available evidence is currently insufficient to determine the role of this variant in disease. Therefore, it has been classified as a Variant of Uncertain Significance.

NM_017934.7(PHIP):c.4456C>G (p.Pro1486Ala)

Genes: IRAK1BP1 (interleukin 1 receptor associated kinase 1 binding protein 1; plus strand), PHIP (PHIP subunit of CUL4-Ring ligase complex; minus strand). Cytogenetic location: 6q14.1.
Variant type: single nucleotide variant.
Coding change: c.4456C>G on transcript NM_017934.7 (MANE Select); coding-DNA position 4456, C replaced by G.
Protein change: p.Pro1486Ala; replaces proline 1486 with alanine.
Molecular consequence: missense variant.
Genome position (GRCh38, 1-based): chr6:78,946,175, G>C on the plus strand (C>G on the coding strand, the complement: PHIP is on the minus strand). VCF-style: chr6-78946175-G-C. GRCh37 (hg19) VCF-style: chr6-79655892-G-C.
Other names: short protein forms P1486A.
Identifiers: ClinVar variation 3686640 (VCV003686640.2).
Genomic context (GRCh38, chr6:78,946,175, plus strand): 5'-TTCGAACCACAGAACTAGATTCTGTTTTACCGTTTATCTGAGCAGCATTGTGTCTTGGCG[G>C]TATTGATCGTGTAGGTGTAGAGAATGCAGAGGTAGAGCTTTCTGATTTTAGCTGGGGTTT-3'
Protein context (NP_060404.4, residues 1476-1496): SAFSTPTRSI[Pro1486Ala]PRHNAAQING